The following is an entry in ClinVar:

ClinVar aggregate classification (germline): Likely benign (1 of 4 stars; one submission).

Submission:

CeGaT Center for Human Genetics Tuebingen
Classification: Likely benign. Last evaluated: 2026-08-01. Review status: criteria provided, single submitter. Criteria: CeGaT Center For Human Genetics Tuebingen Variant Classification Criteria Version 2. Collection method: clinical testing. Allele origin: germline. Affected: yes. Observed: 2 variant alleles.
Comment: GLI1: PM2:Supporting, BP4, BP7

NM_005269.3(GLI1):c.1365A>G (p.Ala455=)

Gene: GLI1 (GLI family zinc finger 1; plus strand). Cytogenetic location: 12q13.3.
Variant type: single nucleotide variant.
Coding change: c.1365A>G on transcript NM_005269.3 (MANE Select); coding-DNA position 1365, A replaced by G.
Protein change: p.Ala455=; no amino-acid change (alanine 455 retained).
Molecular consequence: synonymous variant.
Genome position (GRCh38, 1-based): chr12:57,469,487, A>G. VCF-style: chr12-57469487-A-G. GRCh37 (hg19) VCF-style: chr12-57863270-A-G.
Other names: c.981A>G, p.Ala327= (NM_001160045.2); c.1242A>G, p.Ala414= (NM_001167609.2).
Identifiers: ClinVar variation 4873032 (VCV004873032.2).